The following is an entry in ClinVar:

NM_004656.4(BAP1):c.1021A>G (p.Ser341Gly)

Gene: BAP1 (BRCA1 associated deubiquitinase 1; minus strand). Cytogenetic location: 3p21.1.
Variant type: single nucleotide variant.
Coding change: c.1021A>G on transcript NM_004656.4 (MANE Select); coding-DNA position 1021, A replaced by G.
Protein change: p.Ser341Gly; replaces serine 341 with glycine.
Molecular consequence: missense variant.
Genome position (GRCh38, 1-based): chr3:52,405,205, T>C on the plus strand (A>G on the coding strand, the complement: BAP1 is on the minus strand). VCF-style: chr3-52405205-T-C. GRCh37 (hg19) VCF-style: chr3-52439221-T-C.
Other names: c.967A>G, p.Ser323Gly (NM_001410772.1); short protein forms S323G, S341G.
Identifiers: ClinVar variation 2861999 (VCV002861999.3), dbSNP rs2153227039, ClinGen allele CA353105909.

ClinVar aggregate classification (germline): Uncertain significance (1 of 4 stars; one submission).

Conditions:
BAP1-related tumor predisposition syndrome (TPDS1). Also called: COMMON Syndrome; TUMOR PREDISPOSITION SYNDROME 1; Tumor susceptibility linked to germline BAP1 mutations; BAP1 tumor predisposition syndrome. Identifiers: Orphanet 289539, MedGen C3280492, MONDO:0013692, OMIM 614327.

Allele frequency attached by ClinVar (database versions not stated): gnomAD exomes below 0.00001.
gnomAD v4.1: 1 of 1,614,140 alleles (0.000062%); highest among the groups gnomAD compares: Non-Finnish European, 0.000085%; no homozygotes.

Submission:

Labcorp Genetics (formerly Invitae), Labcorp
Classification: Uncertain significance for BAP1-related tumor predisposition syndrome. Last evaluated: 2023-05-15. Review status: criteria provided, single submitter. Criteria: Invitae Variant Classification Sherloc (09022015). Collection method: clinical testing. Allele origin: germline.
Comment: This sequence change replaces serine, which is neutral and polar, with glycine, which is neutral and non-polar, at codon 341 of the BAP1 protein (p.Ser341Gly). This variant is not present in population databases (gnomAD no frequency). In summary, the available evidence is currently insufficient to determine the role of this variant in disease. Therefore, it has been classified as a Variant of Uncertain Significance. Advanced modeling of protein sequence and biophysical properties (such as structural, functional, and spatial information, amino acid conservation, physicochemical variation, residue mobility, and thermodynamic stability) performed at Invitae indicates that this missense variant is not expected to disrupt BAP1 protein function. This variant has not been reported in the literature in individuals affected with BAP1-related conditions.